The following is an entry in ClinVar:

ClinVar aggregate classification (germline): Pathogenic/Likely pathogenic. Review status: criteria provided, multiple submitters, no conflicts (2 of 4 stars). 3 submissions from 3 submitters: Pathogenic (1); Likely pathogenic (2). Last evaluated 2026-03-24.

Conditions:
OTOA-related disorder. Also called: OTOA-related condition.

Submissions (3):

PreventionGenetics, part of Exact Sciences
Classification: Likely pathogenic for OTOA-related condition. Last evaluated: 2026-03-24. Review status: criteria provided, single submitter. Criteria: ACMG Guidelines, 2015. Collection method: clinical testing. Allele origin: germline.
Comment: The OTOA c.1882delG variant is predicted to result in a frameshift and premature protein termination (p.Ala628Profs*16). To our knowledge, this variant has not been reported in the literature. This variant is reported in 0.0029% of alleles in individuals of Latino descent in gnomAD. Frameshift variants in OTOA are expected to be pathogenic. This variant is interpreted as likely pathogenic.

Labcorp Genetics (formerly Invitae), Labcorp
Classification: Pathogenic. Last evaluated: 2023-09-05. Review status: criteria provided, single submitter. Criteria: Invitae Variant Classification Sherloc (09022015). Collection method: clinical testing. Allele origin: germline.
Comment: For these reasons, this variant has been classified as Pathogenic. Algorithms developed to predict the effect of sequence changes on RNA splicing suggest that this variant may disrupt the consensus splice site. This variant has not been reported in the literature in individuals affected with OTOA-related conditions. This variant is present in population databases (no rsID available, gnomAD 0.003%). This sequence change creates a premature translational stop signal (p.Ala628Profs*16) in the OTOA gene. It is expected to result in an absent or disrupted protein product. Loss-of-function variants in OTOA are known to be pathogenic (PMID: 11972037).

Blueprint Genetics
Classification: Likely pathogenic for OTOA-related disorders. Last evaluated: 2020-04-28. Review status: criteria provided, single submitter. Criteria: ACMG Guidelines, 2015. Collection method: clinical testing. Allele origin: germline. Affected: yes. Observed: 1 variant allele.

Literature cited by the submitters: PubMed 11972037 (cited by Labcorp Genetics (formerly Invitae), Labcorp).

NC_000016.10:g.21726524del

Gene: OTOA (otoancorin). Cytogenetic location: 16p12.2.
Variant type: Deletion.
Genome position: GRCh38 VCF-style: chr16-21726521-AG-A. GRCh37 (hg19) VCF-style: chr16-21737842-AG-A.
Identifiers: ClinVar variation 2976368 (VCV002976368.5), dbSNP rs1275851235, ClinGen allele CA621291698.